The following is an entry in ClinVar:

ClinVar aggregate classification (germline): Uncertain significance (1 of 4 stars; one submission).

Submission:

Labcorp Genetics (formerly Invitae), Labcorp
Classification: Uncertain significance. Last evaluated: 2024-04-17. Review status: criteria provided, single submitter. Criteria: Invitae Variant Classification Sherloc (09022015). Collection method: clinical testing. Allele origin: germline.
Comment: This sequence change replaces valine, which is neutral and non-polar, with isoleucine, which is neutral and non-polar, at codon 870 of the NFKB1 protein (p.Val870Ile). This variant is present in population databases (rs372576307, gnomAD 0.007%). This variant has not been reported in the literature in individuals affected with NFKB1-related conditions. Advanced modeling of protein sequence and biophysical properties (such as structural, functional, and spatial information, amino acid conservation, physicochemical variation, residue mobility, and thermodynamic stability) performed at Invitae indicates that this missense variant is not expected to disrupt NFKB1 protein function with a negative predictive value of 80%. In summary, the available evidence is currently insufficient to determine the role of this variant in disease. Therefore, it has been classified as a Variant of Uncertain Significance.

NM_003998.4(NFKB1):c.2608G>A (p.Val870Ile)

Gene: NFKB1 (nuclear factor kappa B subunit 1; plus strand). Cytogenetic location: 4q24.
Variant type: single nucleotide variant.
Coding change: c.2608G>A on transcript NM_003998.4 (MANE Select); coding-DNA position 2608, G replaced by A.
Protein change: p.Val870Ile; replaces valine 870 with isoleucine.
Molecular consequence: missense variant.
Genome position (GRCh38, 1-based): chr4:102,613,440, G>A. VCF-style: chr4-102613440-G-A. GRCh37 (hg19) VCF-style: chr4-103534597-G-A.
Other names: c.2605G>A, p.Val869Ile (NM_001165412.2, NM_001319226.2, NM_001382627.1); c.2608G>A, p.Val870Ile (NM_001382625.1, NM_001382626.1); c.2566G>A, p.Val856Ile (NM_001382628.1); short protein forms V856I, V869I, V870I.
Identifiers: ClinVar variation 3725765 (VCV003725765.2).